The following is an entry in ClinVar:

NM_001567.4(INPPL1):c.1170C>T (p.Arg390=)

Gene: INPPL1 (inositol polyphosphate phosphatase like 1; plus strand). Cytogenetic location: 11q13.4.
Variant type: single nucleotide variant.
Coding change: c.1170C>T on transcript NM_001567.4 (MANE Select); coding-DNA position 1170, C replaced by T.
Protein change: p.Arg390=; no amino-acid change (arginine 390 retained).
Molecular consequence: synonymous variant.
Genome position (GRCh38, 1-based): chr11:72,230,441, C>T. VCF-style: chr11-72230441-C-T. GRCh37 (hg19) VCF-style: chr11-71941485-C-T.
Other names: c.1236C>T, p.Arg412= (NM_001440434.1); c.1170C>T, p.Arg390= (NM_001440435.1, NM_001440436.1, NM_001440438.1); c.1029C>T, p.Arg343= (NM_001440437.1).
Identifiers: ClinVar variation 4706046 (VCV004706046.1).
Genomic context (GRCh38, chr11:72,230,441, plus strand): 5'-CCAGCGTGTCCAGAACAAGCTGGGTGTTGTGTTTGAGAAGGAGAAGGACCGGACTCAGCG[C>T]AAGGACTTCATCTTTGTCAGTGCCCGGGTGAGCAGCAGGCTGGGCCAGGCCACTGGGGAC-3'
Protein context (NP_001558.3, residues 380-400): VFEKEKDRTQ[Arg390=]KDFIFVSARK

ClinVar aggregate classification (germline): Uncertain significance (1 of 4 stars; one submission).

gnomAD v4.1: 1 of 1,613,992 alleles (0.000062%); highest among the groups gnomAD compares: Non-Finnish European, 0.000085%; no homozygotes.

Submission:

Labcorp Genetics (formerly Invitae), Labcorp
Classification: Uncertain significance. Last evaluated: 2025-11-18. Review status: criteria provided, single submitter. Criteria: Invitae Variant Classification Sherloc (09022015). Collection method: clinical testing. Allele origin: germline.
Comment: This sequence change affects codon 390 of the INPPL1 mRNA. It is a 'silent' change, meaning that it does not change the encoded amino acid sequence of the INPPL1 protein. This variant is not present in population databases (gnomAD no frequency). This variant has not been reported in the literature in individuals affected with INPPL1-related conditions. Algorithms developed to predict the effect of sequence changes on RNA splicing suggest that this variant may create or strengthen a splice site. In summary, the available evidence is currently insufficient to determine the role of this variant in disease. Therefore, it has been classified as a Variant of Uncertain Significance.